The following is an entry in ClinVar:

NM_003737.4(DCHS1):c.8302C>T (p.Arg2768Cys)

Gene: DCHS1 (dachsous cadherin-related 1; minus strand). Cytogenetic location: 11p15.4.
Variant type: single nucleotide variant.
Coding change: c.8302C>T on transcript NM_003737.4 (MANE Select); coding-DNA position 8302, C replaced by T.
Protein change: p.Arg2768Cys; replaces arginine 2768 with cysteine.
Molecular consequence: missense variant.
Genome position (GRCh38, 1-based): chr11:6,623,374, G>A on the plus strand (C>T on the coding strand, the complement: DCHS1 is on the minus strand). VCF-style: chr11-6623374-G-A. GRCh37 (hg19) VCF-style: chr11-6644605-G-A.
Other names: c.8302C>T (NM_003737.2); short protein forms R2768C.
Identifiers: ClinVar variation 1107906 (VCV001107906.16), dbSNP rs368211314, ClinGen allele CA5859452.

ClinVar aggregate classification (germline): Conflicting classifications of pathogenicity. Review status: criteria provided, conflicting classifications (1 of 4 stars). 5 submissions from 5 submitters: Uncertain significance (4); Likely benign (1). Last evaluated 2026-02-01.

Conditions:
Inborn genetic diseases. Identifiers: MedGen C0950123, MeSH D030342.
Van Maldergem syndrome 1 (VMLDS1). Also called: Van Maldergem syndrome 1 (VMLDS1). Identifiers: Orphanet 314679, MedGen C4551950, MONDO:0011070, OMIM 601390.
Mitral valve prolapse, myxomatous 2. Also called: MMVP2; Mitral valve prolapse 2. Identifiers: MedGen C1843003, MONDO:0011915, OMIM 607829.

Allele frequency attached by ClinVar (database versions not stated): ESP Exome Variant Server 0.00015; gnomAD 0.00017 and 0.00019; TOPMed 0.00017; gnomAD exomes 0.00022; ExAC 0.00034.
gnomAD v4.1: 364 of 1,597,622 alleles (0.023%); highest among the groups gnomAD compares: Admixed American, 0.043%; no homozygotes.

Submissions (5):

Labcorp Genetics (formerly Invitae), Labcorp
Classification: Likely benign. Last evaluated: 2026-02-01. Review status: criteria provided, single submitter. Criteria: Invitae Variant Classification Sherloc (09022015). Collection method: clinical testing. Allele origin: germline.

Clinical Genomics Laboratory, Washington University in St. Louis
Classification: Uncertain significance for Van Maldergem syndrome 1. Last evaluated: 2025-03-31. Review status: criteria provided, single submitter. Criteria: ACMG Guidelines, 2015. Collection method: clinical testing. Allele origin: germline.
Comment: A DCHS1 c.8302C>T (p.Arg2768Cys) variant was identified at a near heterozygous allelic fraction of 47.7%, a frequency that may be consistent with germline origin. This variant, to our knowledge, has not been reported in the medical literature. It has been reported in the ClinVar database as a germline variant of uncertain significance by three submitters and a likely benign variant by one submitter (ClinVar Variation ID: 1107906). The highest population minor allele frequency in the population database gnomAD (v.4.1.0) is 0.04% in the admixed American population. Computational predictors are uncertain as to the impact of this variant on the DCHS1 function. Due to limited information, and based on ACMG/AMP guidelines for variant interpretation (Richards S et al., PMID: 25741868), the clinical significance of this variant is uncertain at this time.

GeneDx
Classification: Uncertain significance. Last evaluated: 2024-04-22. Review status: criteria provided, single submitter. Criteria: GeneDx Variant Classification Process June 2021. Collection method: clinical testing. Allele origin: germline. Affected: yes.
Comment: Has not been previously published as pathogenic or benign to our knowledge; In silico analysis supports that this missense variant has a deleterious effect on protein structure/function

Ambry Genetics
Classification: Uncertain significance for Inborn genetic diseases. Last evaluated: 2021-08-23. Review status: criteria provided, single submitter. Criteria: Ambry Variant Classification Scheme 2023. Collection method: clinical testing. Allele origin: germline.

Molecular Genetics Lab, CHRU Brest
Classification: Uncertain significance for Mitral valve prolapse, myxomatous 2; Van Maldergem syndrome 1. Review status: criteria provided, single submitter. Criteria: ACMG Guidelines, 2015. Collection method: clinical testing. Allele origin: biparental. Affected: yes.